The following is an entry in ClinVar:

NM_001079872.2(CUL4B):c.1335C>T (p.Asn445=)

Gene: CUL4B (cullin 4B; minus strand). Cytogenetic location: Xq24.
Variant type: single nucleotide variant.
Coding change: c.1335C>T on transcript NM_001079872.2 (MANE Select); coding-DNA position 1335, C replaced by T.
Protein change: p.Asn445=; no amino-acid change (asparagine 445 retained).
Molecular consequence: synonymous variant.
Genome position (GRCh38, 1-based): chrX:120,541,710, G>A on the plus strand (C>T on the coding strand, the complement: CUL4B is on the minus strand). VCF-style: chrX-120541710-G-A. GRCh37 (hg19) VCF-style: chrX-119675565-G-A.
Other names: c.1350C>T, p.Asn450= (NM_001330624.2); c.801C>T, p.Asn267= (NM_001369145.1); c.1389C>T, p.Asn463= (NM_003588.4).
Identifiers: ClinVar variation 3026676 (VCV003026676.22), dbSNP rs2521106948, ClinGen allele CA518226050.

ClinVar aggregate classification (germline): Likely benign (1 of 4 stars; one submission).

Allele frequency attached by ClinVar (database versions not stated): gnomAD exomes below 0.00001.
gnomAD v4.1: 2 of 1,167,394 alleles (0.00017%); highest among the groups gnomAD compares: Non-Finnish European, 0.00023%; no homozygotes.

Submission:

CeGaT Center for Human Genetics Tuebingen
Classification: Likely benign. Last evaluated: 2023-12-01. Review status: criteria provided, single submitter. Criteria: CeGaT Center For Human Genetics Tuebingen Variant Classification Criteria Version 2. Collection method: clinical testing. Allele origin: germline. Affected: yes. Observed: 1 variant allele.
Comment: CUL4B: PM2:Supporting, BP4, BP7